The following is an entry in ClinVar:

NM_000344.4(SMN1):c.872dup (p.His291fs)

Gene: SMN1 (survival of motor neuron 1, telomeric). Cytogenetic location: 5q13.2.
Variant type: Duplication.
Coding change: c.872dup on transcript NM_000344.4 (MANE Select); coding-DNA position 872, one base duplicated.
Protein change: p.His291fs; shifts the reading frame from histidine 291.
Molecular consequence: frameshift variant. On other transcripts: intron variant (1).
Genome position: GRCh38 VCF-style: chr5-70951977-C-CA. GRCh37 (hg19) VCF-style: chr5-70247804-C-CA.
Other names: c.776dup, p.His259fs (NM_022874.2); c.835-461dup (NM_001297715.1); c.872dupA (NM_000344.4); short protein forms H259fs, H291fs.
Identifiers: ClinVar variation 3896022 (VCV003896022.1).

ClinVar aggregate classification (germline): Uncertain significance (1 of 4 stars; one submission).

Submission:

Women's Health and Genetics/Laboratory Corporation of America, LabCorp
Classification: Uncertain significance. Last evaluated: 2025-03-31. Review status: criteria provided, single submitter. Criteria: LabCorp Variant Classification Summary - May 2015. Collection method: clinical testing. Allele origin: germline.
Comment: Variant summary: SMN1 c.872dupA (p.His291GlnfsX15) causes a frameshift which results in an extension of the protein. The variant was absent in 248156 control chromosomes. The available data on variant occurrences in the general population are insufficient to allow any conclusion about variant significance. To our knowledge, no occurrence of c.872dupA in individuals affected with Spinal Muscular Atrophy and no experimental evidence demonstrating its impact on protein function have been reported. No submitters have cited clinical-significance assessments for this variant to ClinVar. Based on the evidence outlined above, the variant was classified as uncertain significance.